The following is an entry in ClinVar:

NM_182914.3(SYNE2):c.16729C>T (p.Arg5577Trp)

Gene: SYNE2 (spectrin repeat containing nuclear envelope protein 2; plus strand). Cytogenetic location: 14q23.2.
Variant type: single nucleotide variant.
Coding change: c.16729C>T on transcript NM_182914.3 (MANE Select); coding-DNA position 16729, C replaced by T.
Protein change: p.Arg5577Trp; replaces arginine 5577 with tryptophan.
Molecular consequence: missense variant.
Genome position (GRCh38, 1-based): chr14:64,167,356, C>T. VCF-style: chr14-64167356-C-T. GRCh37 (hg19) VCF-style: chr14-64634074-C-T.
Other names: c.16729C>T, p.Arg5577Trp (NM_015180.6); short protein forms R5577W.
Identifiers: ClinVar variation 2436841 (VCV002436841.5), dbSNP rs139218000, ClinGen allele CA7223465.

ClinVar aggregate classification (germline): Uncertain significance. Review status: criteria provided, multiple submitters, no conflicts (2 of 4 stars). 2 submissions from 2 submitters: Uncertain significance (2). Last evaluated 2024-11-04.

Conditions:
Emery-Dreifuss muscular dystrophy 5, autosomal dominant (EDMD5). Also called: EMERY-DREIFUSS MUSCULAR DYSTROPHY 5. Identifiers: Orphanet 261, MedGen C2751805, MONDO:0013072, OMIM 612999.

Allele frequency attached by ClinVar (database versions not stated): gnomAD exomes below 0.00001; ExAC 0.00002; TOPMed 0.00008; gnomAD 0.00009; ESP Exome Variant Server 0.00015.
gnomAD v4.1: 20 of 1,614,068 alleles (0.0012%); highest among the groups gnomAD compares: African/African-American, 0.021%; no homozygotes.

Submissions (2):

Labcorp Genetics (formerly Invitae), Labcorp
Classification: Uncertain significance for Emery-Dreifuss muscular dystrophy 5, autosomal dominant. Last evaluated: 2024-11-04. Review status: criteria provided, single submitter. Criteria: Invitae Variant Classification Sherloc (09022015). Collection method: clinical testing. Allele origin: germline.
Comment: This sequence change replaces arginine, which is basic and polar, with tryptophan, which is neutral and slightly polar, at codon 5577 of the SYNE2 protein (p.Arg5577Trp). This variant is present in population databases (rs139218000, gnomAD 0.02%). This variant has not been reported in the literature in individuals affected with SYNE2-related conditions. ClinVar contains an entry for this variant (Variation ID: 2436841). An algorithm developed to predict the effect of missense changes on protein structure and function (PolyPhen-2) suggests that this variant is likely to be disruptive. In summary, the available evidence is currently insufficient to determine the role of this variant in disease. Therefore, it has been classified as a Variant of Uncertain Significance.

Revvity Omics, Revvity
Classification: Uncertain significance for Emery-Dreifuss muscular dystrophy 5, autosomal dominant. Last evaluated: 2019-05-29. Review status: criteria provided, single submitter. Criteria: ACMG Guidelines, 2015. Collection method: clinical testing. Allele origin: germline.